The following is an entry in ClinVar:

ClinVar aggregate classification (germline): Uncertain significance (1 of 4 stars; one submission).

Conditions:
Catecholaminergic polymorphic ventricular tachycardia 1. Also called: VENTRICULAR TACHYCARDIA, CATECHOLAMINERGIC POLYMORPHIC, 1, WITH OR WITHOUT ATRIAL DYSFUNCTION AND/OR DILATED CARDIOMYOPATHY; VENTRICULAR TACHYCARDIA, STRESS-INDUCED POLYMORPHIC 1; RYR2-Related Catecholaminergic Polymorphic Ventricular Tachycardia. Identifiers: Orphanet 3286, MedGen C1631597, MONDO:0011484, OMIM 604772.

Allele frequency attached by ClinVar (database versions not stated): gnomAD exomes below 0.00001; ExAC 0.00001.
gnomAD v4.1: 1 of 1,537,816 alleles (0.000065%); highest among the groups gnomAD compares: Non-Finnish European, 0.00009%; no homozygotes.

Submission:

MVZ Medizinische Genetik Mainz
Classification: Uncertain significance for Catecholaminergic polymorphic ventricular tachycardia 1. Last evaluated: 2022-03-28. Review status: criteria provided, single submitter. Criteria: UK Practice Guidelines For Variant Classification V4 01 2020. Collection method: clinical testing. Allele origin: germline. Inheritance: Autosomal dominant inheritance. Affected: yes. Observed: 1 variant allele.
Comment: ACMG Criteria: PVS1_MOD, PM2_SUP (ACMG Version 3)

NM_001035.3(RYR2):c.14756+1G>A

Gene: RYR2 (ryanodine receptor 2; plus strand). Cytogenetic location: 1q43.
Variant type: single nucleotide variant.
Coding change: c.14756+1G>A on transcript NM_001035.3 (MANE Select); the canonical splice donor site of the intron after coding-DNA position 14756, G replaced by A.
Molecular consequence: splice donor variant.
Genome position (GRCh38, 1-based): chr1:237,830,631, G>A. VCF-style: chr1-237830631-G-A. GRCh37 (hg19) VCF-style: chr1-237993931-G-A.
Identifiers: ClinVar variation 3235166 (VCV003235166.1), dbSNP rs752970862.